The following is an entry in ClinVar:

ClinVar aggregate classification (germline): Benign/Likely benign. Review status: criteria provided, multiple submitters, no conflicts (2 of 4 stars). 8 submissions from 7 submitters: Benign (4); Likely benign (4). Last evaluated 2026-06-01.

Conditions:
Charcot-Marie-Tooth disease axonal type 2Z. Also called: CHARCOT-MARIE-TOOTH DISEASE, AXONAL, AUTOSOMAL DOMINANT, TYPE 2Z; CHARCOT-MARIE-TOOTH NEUROPATHY, TYPE 2Z. Identifiers: Orphanet 466768, MedGen C5569025, MONDO:0014736, OMIM 616688.
Developmental delay, impaired growth, dysmorphic facies, and axonal neuropathy. Identifiers: MedGen C5436781, MONDO:0030835, OMIM 619090.

Allele frequency attached by ClinVar (database versions not stated): gnomAD exomes 0.00038 and 0.00105; ExAC 0.00124; 1000 Genomes Project 0.00359; gnomAD 0.00389 and 0.00421; 1000 Genomes Project 30x 0.00406; ESP Exome Variant Server 0.00438; TOPMed 0.00450.
gnomAD v4.1: 1,162 of 1,613,984 alleles (0.072%); highest among the groups gnomAD compares: African/African-American, 1.3%; 5 homozygotes.

Submissions (8):

CeGaT Center for Human Genetics Tuebingen
Classification: Likely benign. Last evaluated: 2026-06-01. Review status: criteria provided, single submitter. Criteria: CeGaT Center For Human Genetics Tuebingen Variant Classification Criteria Version 2. Collection method: clinical testing. Allele origin: germline. Affected: yes. Observed: 3 variant alleles.
Comment: MORC2: BP4, BS1

Labcorp Genetics (formerly Invitae), Labcorp
Classification: Benign for Charcot-Marie-Tooth disease axonal type 2Z. Last evaluated: 2026-01-26. Review status: criteria provided, single submitter. Criteria: Invitae Variant Classification Sherloc (09022015). Collection method: clinical testing. Allele origin: germline.

Mayo Clinic Laboratories, Mayo Clinic
Classification: Benign. Last evaluated: 2024-12-13. Review status: criteria provided, single submitter. Criteria: ACMG Guidelines, 2015. Collection method: clinical testing. Allele origin: germline. Observed: 1 variant allele.
Comment: BS1, BS2, BP4

Blueprint Genetics
Classification: Likely benign. Last evaluated: 2024-11-18. Review status: criteria provided, single submitter. Criteria: ACMG Guidelines, 2015. Collection method: clinical testing. Allele origin: germline.

ARUP Laboratories, Molecular Genetics and Genomics, ARUP Laboratories
Classification: Likely benign. Last evaluated: 2023-11-22. Review status: criteria provided, single submitter. Criteria: ARUP Molecular Germline Variant Investigation Process 2024. Collection method: clinical testing. Allele origin: germline.

Genome-Nilou Lab
Classification: Benign for Charcot-Marie-Tooth disease axonal type 2Z. Last evaluated: 2022-03-15. Review status: criteria provided, single submitter. Criteria: ACMG Guidelines, 2015. Collection method: clinical testing. Allele origin: germline. Affected: no.

Genome-Nilou Lab
Classification: Benign for Developmental delay, impaired growth, dysmorphic facies, and axonal neuropathy. Last evaluated: 2022-03-15. Review status: criteria provided, single submitter. Criteria: ACMG Guidelines, 2015. Collection method: clinical testing. Allele origin: germline. Affected: no.

GeneDx
Classification: Likely benign. Last evaluated: 2020-10-15. Review status: criteria provided, single submitter. Criteria: GeneDx Variant Classification Process June 2021. Collection method: clinical testing. Allele origin: germline. Affected: yes.

NM_001303256.3(MORC2):c.1737+4C>T

Gene: MORC2 (MORC family CW-type zinc finger 2; minus strand). Cytogenetic location: 22q12.2.
Variant type: single nucleotide variant.
Coding change: c.1737+4C>T on transcript NM_001303256.3 (MANE Select); 4 bases into the intron after coding-DNA position 1737, C replaced by T.
Molecular consequence: intron variant.
Genome position (GRCh38, 1-based): chr22:30,936,507, G>A on the plus strand (C>T on the coding strand, the complement: MORC2 is on the minus strand). VCF-style: chr22-30936507-G-A. GRCh37 (hg19) VCF-style: chr22-31332494-G-A.
Other names: p.?; c.1737+4C>T (NM_001303257.2); c.1551+4C>T (NM_014941.3).
Identifiers: ClinVar variation 475575 (VCV000475575.43), dbSNP rs5997814, ClinGen allele CA10186876.